The following is an entry in ClinVar:

ClinVar aggregate classification (germline): Pathogenic/Likely pathogenic. Review status: criteria provided, multiple submitters, no conflicts (2 of 4 stars). 2 submissions from 2 submitters: Pathogenic (1); Likely pathogenic (1). Last evaluated 2025-07-10.

Conditions:
EDA-related disorder. Also called: EDA-related condition; EDA-related disorders.

Submissions (2):

GeneDx
Classification: Pathogenic. Last evaluated: 2025-07-10. Review status: criteria provided, single submitter. Criteria: GeneDx Variant Classification Process June 2021. Collection method: clinical testing. Allele origin: germline. Affected: yes.
Comment: Has not been previously published as pathogenic or benign to our knowledge; Canonical splice site variant predicted to result in an in-frame loss of the adjacent exon in a gene for which loss of function is a known mechanism of disease; Not observed at significant frequency in large population cohorts (gnomAD)

Blueprint Genetics
Classification: Likely pathogenic for EDA-related disorders. Last evaluated: 2022-10-19. Review status: criteria provided, single submitter. Criteria: ACMG Guidelines, 2015. Collection method: clinical testing. Allele origin: germline. Affected: yes. Observed: 1 variant allele.

NM_001399.5(EDA):c.526+2T>C

Gene: EDA (ectodysplasin A; plus strand). Cytogenetic location: Xq13.1.
Variant type: single nucleotide variant.
Coding change: c.526+2T>C on transcript NM_001399.5 (MANE Select); the canonical splice donor site of the intron after coding-DNA position 526, T replaced by C.
Molecular consequence: splice donor variant.
Genome position (GRCh38, 1-based): chrX:70,023,243, T>C. VCF-style: chrX-70023243-T-C. GRCh37 (hg19) VCF-style: chrX-69243093-T-C.
Other names: c.526+2T>C (NM_001005609.2, NM_001440762.1, NM_001440761.1 and 1 more transcripts).
Identifiers: ClinVar variation 4685069 (VCV004685069.2).